The following is an entry in ClinVar:

NM_000466.3(PEX1):c.3151C>T (p.Leu1051Phe)

Genes: GATAD1 (GATA zinc finger domain containing 1; plus strand), PEX1 (peroxisomal biogenesis factor 1; minus strand). Cytogenetic location: 7q21.2.
Variant type: single nucleotide variant.
Coding change: c.3151C>T on transcript NM_000466.3 (MANE Select); coding-DNA position 3151, C replaced by T.
Protein change: p.Leu1051Phe; replaces leucine 1051 with phenylalanine.
Molecular consequence: missense variant.
Genome position (GRCh38, 1-based): chr7:92,493,009, G>A on the plus strand (C>T on the coding strand, the complement: PEX1 is on the minus strand). VCF-style: chr7-92493009-G-A. GRCh37 (hg19) VCF-style: chr7-92122323-G-A.
Other names: c.2980C>T, p.Leu994Phe (NM_001282677.2); c.2527C>T, p.Leu843Phe (NM_001282678.2); short protein forms L1051F, L843F, L994F.
Identifiers: ClinVar variation 2187622 (VCV002187622.1), dbSNP rs138992611, ClinGen allele CA4340896.
Genomic context (GRCh38, chr7:92,493,009, plus strand): 5'-TTGCCTGGAGTCCACTCGAGAGCAGCATTCCATGTAAGGCCTCCAATTGGGCATTGTAAA[G>A]TAAAGCTTTCAGATCAGCTCCAGTAAAGGAGTCAGTTACTGATGCTACATGCTGAAGGTC-3'
Protein context (NP_000457.1, residues 1041-1061): SFTGADLKAL[Leu1051Phe]YNAQLEALHG

ClinVar aggregate classification (germline): Uncertain significance (1 of 4 stars; one submission).

Conditions:
Zellweger spectrum disorders (ZS). Also called: Zellweger Spectrum Disorder; Zellweger Spectrum; Zellweger syndrome; Zellweger Spectrum Disorder (ZSD). Identifiers: Orphanet 912, MedGen C0043459, MONDO:0019609.

gnomAD v4.1: 5 of 1,613,802 alleles (0.00031%); highest among the groups gnomAD compares: Non-Finnish European, 0.00042%; no homozygotes.

Submission:

Labcorp Genetics (formerly Invitae), Labcorp
Classification: Uncertain significance for Zellweger spectrum disorders. Last evaluated: 2022-11-01. Review status: criteria provided, single submitter. Criteria: Invitae Variant Classification Sherloc (09022015). Collection method: clinical testing. Allele origin: germline.
Comment: This sequence change replaces leucine, which is neutral and non-polar, with phenylalanine, which is neutral and non-polar, at codon 1051 of the PEX1 protein (p.Leu1051Phe). This variant is not present in population databases (gnomAD no frequency). This variant has not been reported in the literature in individuals affected with PEX1-related conditions. Advanced modeling of protein sequence and biophysical properties (such as structural, functional, and spatial information, amino acid conservation, physicochemical variation, residue mobility, and thermodynamic stability) performed at Invitae indicates that this missense variant is not expected to disrupt PEX1 protein function. In summary, the available evidence is currently insufficient to determine the role of this variant in disease. Therefore, it has been classified as a Variant of Uncertain Significance.